The following is an entry in ClinVar:

NM_000414.4(HSD17B4):c.1809G>A (p.Val603=)

Gene: HSD17B4 (hydroxysteroid 17-beta dehydrogenase 4; plus strand). Cytogenetic location: 5q23.1.
Variant type: single nucleotide variant.
Coding change: c.1809G>A on transcript NM_000414.4 (MANE Select); coding-DNA position 1809, G replaced by A.
Protein change: p.Val603=; no amino-acid change (valine 603 retained).
Molecular consequence: synonymous variant. On other transcripts: non-coding transcript variant (2).
Genome position (GRCh38, 1-based): chr5:119,529,935, G>A. VCF-style: chr5-119529935-G-A. GRCh37 (hg19) VCF-style: chr5-118865630-G-A.
Other names: c.1884G>A, p.Val628= (NM_001199291.3); c.1755G>A, p.Val585= (NM_001199292.2); c.1737G>A, p.Val579= (NM_001292027.2, NM_001374498.1); c.1389G>A, p.Val463= (NM_001292028.2); c.1800G>A, p.Val600= (NM_001374497.1); c.1482G>A, p.Val494= (NM_001374499.1); c.1368G>A, p.Val456= (NM_001374500.1); c.1398G>A, p.Val466= (NM_001374501.1, NM_001374502.1, NM_001374503.1).
Identifiers: ClinVar variation 929879 (VCV000929879.9), dbSNP rs1279792063, ClinGen allele CA446036812.

ClinVar aggregate classification (germline): Likely benign. Review status: criteria provided, multiple submitters, no conflicts (2 of 4 stars). 2 submissions from 2 submitters: Likely benign (2). Last evaluated 2025-11-24.

Conditions:
Bifunctional peroxisomal enzyme deficiency (DBIF). Also called: PBFE DEFICIENCY; DBP DEFICIENCY; D-bifunctional protein deficiency. Identifiers: Orphanet 300, MedGen C0342870, MONDO:0009855, OMIM 261515. Disease mechanism: loss of function.
Perrault syndrome. Also called: Gonadal dysgenesis with auditory dysfunction, autosomal recessive inheritance. Identifiers: Orphanet 2855, MedGen C0685838, MONDO:0017312.

Allele frequency attached by ClinVar (database versions not stated): gnomAD exomes below 0.00001.
gnomAD v4.1: 6 of 1,610,626 alleles (0.00037%); highest among the groups gnomAD compares: Non-Finnish European, 0.00051%; no homozygotes.

Submissions (2):

Labcorp Genetics (formerly Invitae), Labcorp
Classification: Likely benign for Perrault syndrome; Bifunctional peroxisomal enzyme deficiency. Last evaluated: 2025-11-24. Review status: criteria provided, single submitter. Criteria: Invitae Variant Classification Sherloc (09022015). Collection method: clinical testing. Allele origin: germline.

Laboratory for Molecular Medicine, Mass General Brigham Personalized Medicine
Classification: Likely benign. Last evaluated: 2019-03-19. Review status: criteria provided, single submitter. Criteria: LMM Criteria. Collection method: clinical testing. Allele origin: germline. Observed: 1 variant allele.
Comment: The p.Val628Val variant in HSD17B4 is classified as likely benign because it does not alter an amino acid residue, it is not located within the splice consensus sequence, and splice prediction algorithms do not predict a newly created splice site. It has been identified in 1/113416 European chromosomes in gnomAD. ACMG/AMP Criteria applied: BP4, BP7.